The following is an entry in ClinVar:

NM_005198.5(CHKB):c.1114G>C (p.Asp372His)

Genes: CHKB-CPT1B (CHKB-CPT1B readthrough (NMD candidate); minus strand), CHKB (choline kinase beta; minus strand). Cytogenetic location: 22q13.33.
Variant type: single nucleotide variant.
Coding change: c.1114G>C on transcript NM_005198.5 (MANE Select); coding-DNA position 1114, G replaced by C.
Protein change: p.Asp372His; replaces aspartic acid 372 with histidine.
Molecular consequence: missense variant. On other transcripts: non-coding transcript variant (1).
Genome position (GRCh38, 1-based): chr22:50,579,255, C>G on the plus strand (G>C on the coding strand, the complement: CHKB is on the minus strand). VCF-style: chr22-50579255-C-G. GRCh37 (hg19) VCF-style: chr22-51017684-C-G.
Other names: short protein forms D372H.
Identifiers: ClinVar variation 1438020 (VCV001438020.8), dbSNP rs1415692835, ClinGen allele CA412194561.

ClinVar aggregate classification (germline): Uncertain significance (1 of 4 stars; one submission).

Conditions:
Megaconial type congenital muscular dystrophy (MDCMC). Also called: MUSCULAR DYSTROPHY, CONGENITAL, WITH MITOCHONDRIAL STRUCTURAL ABNORMALITIES; CHKB-Related Muscular Dystrophy; CHKB-Related Muscle Diseases. Identifiers: Orphanet 280671, MedGen C1865233, MONDO:0011246, OMIM 602541.

Allele frequency attached by ClinVar (database versions not stated): gnomAD exomes 0.00001.
gnomAD v4.1: 8 of 1,613,464 alleles (0.0005%); highest among the groups gnomAD compares: Non-Finnish European, 0.00068%; no homozygotes.

Submission:

Labcorp Genetics (formerly Invitae), Labcorp
Classification: Uncertain significance for Megaconial type congenital muscular dystrophy. Last evaluated: 2022-11-15. Review status: criteria provided, single submitter. Criteria: Invitae Variant Classification Sherloc (09022015). Collection method: clinical testing. Allele origin: germline.
Comment: In summary, the available evidence is currently insufficient to determine the role of this variant in disease. Therefore, it has been classified as a Variant of Uncertain Significance. Algorithms developed to predict the effect of sequence changes on RNA splicing suggest that this variant may create or strengthen a splice site. Algorithms developed to predict the effect of missense changes on protein structure and function are either unavailable or do not agree on the potential impact of this missense change (SIFT: "Deleterious"; PolyPhen-2: "Benign"; Align-GVGD: "Class C0"). ClinVar contains an entry for this variant (Variation ID: 1438020). This variant has not been reported in the literature in individuals affected with CHKB-related conditions. This variant is present in population databases (no rsID available, gnomAD 0.0009%). This sequence change replaces aspartic acid, which is acidic and polar, with histidine, which is basic and polar, at codon 372 of the CHKB protein (p.Asp372His).